The following is an entry in ClinVar:

NM_032119.4(ADGRV1):c.3279G>T (p.Leu1093Phe)

Gene: ADGRV1 (adhesion G protein-coupled receptor V1; plus strand). Cytogenetic location: 5q14.3.
Variant type: single nucleotide variant.
Coding change: c.3279G>T on transcript NM_032119.4 (MANE Select); coding-DNA position 3279, G replaced by T.
Protein change: p.Leu1093Phe; replaces leucine 1093 with phenylalanine.
Molecular consequence: missense variant. On other transcripts: non-coding transcript variant (1).
Genome position (GRCh38, 1-based): chr5:90,647,754, G>T. VCF-style: chr5-90647754-G-T. GRCh37 (hg19) VCF-style: chr5-89943571-G-T.
Other names: short protein forms L1093F.
Identifiers: ClinVar variation 46313 (VCV000046313.35), dbSNP rs2366777, ClinGen allele CA138100.
Genomic context (GRCh38, chr5:90,647,754, plus strand): 5'-CATATTTGTTAATGAAGATGGTATCCCGGAAACAGATGAGCCCTTTTATATAATCCTCTT[G>T]AATTCAACAGGTAAGTAAATTATGCTTTTTTATGGCAGATCTGCCTCAGTGCTTTAATAA-3'
Protein context (NP_115495.3, residues 1083-1103): ETDEPFYIIL[Leu1093Phe]NSTGDTVVYQ

ClinVar aggregate classification (germline): Benign. Review status: criteria provided, multiple submitters, no conflicts (2 of 4 stars). 13 submissions from 13 submitters: Benign (9). 4 of the submissions do not count toward it. Last evaluated 2026-06-12.

Conditions:
Usher syndrome type 2C. Also called: Usher syndrome, type 2B; USHER SYNDROME, TYPE IIC. Identifiers: Orphanet 231178, Orphanet 886, MedGen C2931213, MONDO:0011558, OMIM 605472.

Allele frequency attached by ClinVar (database versions not stated): ESP Exome Variant Server 0.72749; gnomAD 0.74107 and 0.74245; 1000 Genomes Project 30x 0.80653; 1000 Genomes Project 0.81030; TOPMed 0.76092.
gnomAD v4.1: 1,078,936 of 1,609,430 alleles (67%); highest among the groups gnomAD compares: African/African-American, 91%; 366,496 homozygotes.

Submissions (13):

Women's Health and Genetics/Laboratory Corporation of America, LabCorp
Classification: Benign. Last evaluated: 2026-06-12. Review status: criteria provided, single submitter. Criteria: LabCorp Variant Classification Summary - May 2015. Collection method: clinical testing. Allele origin: germline.

Labcorp Genetics (formerly Invitae), Labcorp
Classification: Benign. Last evaluated: 2026-02-04. Review status: criteria provided, single submitter. Criteria: Invitae Variant Classification Sherloc (09022015). Collection method: clinical testing. Allele origin: germline.

Genome-Nilou Lab
Classification: Benign for Usher syndrome type 2C. Last evaluated: 2021-08-10. Review status: criteria provided, single submitter. Criteria: ACMG Guidelines, 2015. Collection method: clinical testing. Allele origin: germline. Affected: no.

Mayo Clinic Laboratories, Mayo Clinic
Classification: Benign. Last evaluated: 2020-10-02. Review status: criteria provided, single submitter. Criteria: ACMG Guidelines, 2015. Collection method: clinical testing. Allele origin: germline. Observed: 144 variant alleles.

Illumina Laboratory Services, Illumina
Classification: Benign for Usher syndrome type 2C. Last evaluated: 2018-01-12. Review status: criteria provided, single submitter. Criteria: ICSL Variant Classification Criteria 13 December 2019. Collection method: clinical testing. Allele origin: germline.
Comment: This variant was observed in the ICSL laboratory as part of a predisposition screen in an ostensibly healthy population. It had not been previously curated by ICSL or reported in the Human Gene Mutation Database (HGMD: prior to June 1st, 2018), and was therefore a candidate for classification through an automated scoring system. Utilizing variant allele frequency, disease prevalence and penetrance estimates, and inheritance mode, an automated score was calculated to assess if this variant is too frequent to cause the disease. Based on the score and internal cut-off values, a variant classified as benign is not then subjected to further curation. The score for this variant resulted in a classification of benign for this disease.

GeneDx
Classification: Benign. Last evaluated: 2015-03-03. Review status: criteria provided, single submitter. Criteria: GeneDx Variant Classification Process June 2021. Collection method: clinical testing. Allele origin: germline. Affected: yes.

Eurofins Ntd Llc (ga)
Classification: Benign. Last evaluated: 2014-07-21. Review status: criteria provided, single submitter. Criteria: EGL Classification Definitions 2015. Collection method: clinical testing. Allele origin: germline. Observed: 2 variant alleles, 2 homozygotes.

Laboratory for Molecular Medicine, Mass General Brigham Personalized Medicine
Classification: Benign. Last evaluated: 2012-02-02. Review status: criteria provided, single submitter. Criteria: LMM Criteria. Collection method: clinical testing. Allele origin: germline. Observed: 1,636 variant alleles.
Comment: Caucasian frequency = 4255/6556 (ESP data)

PreventionGenetics, part of Exact Sciences
Classification: Benign. Review status: criteria provided, single submitter. Criteria: ACMG Guidelines, 2015. Collection method: clinical testing. Allele origin: germline.

Diagnostic Laboratory, Department of Genetics, University Medical Center Groningen
Classification: Benign. Review status: no assertion criteria provided. Collection method: clinical testing. Allele origin: germline. Affected: yes. Study: VKGL Data-share Consensus. Not counted in ClinVar's aggregate classification.

Genetic Services Laboratory, University of Chicago
Classification: Likely benign. Review status: no assertion criteria provided. Collection method: clinical testing. Allele origin: germline. Inheritance: Autosomal dominant inheritance. Not counted in ClinVar's aggregate classification.
Comment: Likely benign based on allele frequency in 1000 Genomes Project or ESP global frequency and its presence in a patient with a rare or unrelated disease phenotype. NOT Sanger confirmed

Genome Diagnostics Laboratory, University Medical Center Utrecht
Classification: Benign. Review status: no assertion criteria provided. Collection method: clinical testing. Allele origin: germline. Affected: yes. Study: VKGL Data-share Consensus. Not counted in ClinVar's aggregate classification.

Joint Genome Diagnostic Labs from Nijmegen and Maastricht, Radboudumc and MUMC+
Classification: Benign. Review status: no assertion criteria provided. Collection method: clinical testing. Allele origin: germline. Affected: yes. Study: VKGL Data-share Consensus. Not counted in ClinVar's aggregate classification.